The following is an entry in ClinVar:

NM_001130438.3(SPTAN1):c.4093G>A (p.Asp1365Asn)

Gene: SPTAN1 (spectrin alpha, non-erythrocytic 1; plus strand). Cytogenetic location: 9q34.11.
Variant type: single nucleotide variant.
Coding change: c.4093G>A on transcript NM_001130438.3 (MANE Select); coding-DNA position 4093, G replaced by A.
Protein change: p.Asp1365Asn; replaces aspartic acid 1365 with asparagine.
Molecular consequence: missense variant.
Genome position (GRCh38, 1-based): chr9:128,607,650, G>A. VCF-style: chr9-128607650-G-A. GRCh37 (hg19) VCF-style: chr9-131369929-G-A.
Other names: c.4129G>A, p.Asp1377Asn (NM_001375318.1, NM_001375312.2); c.4093G>A, p.Asp1365Asn (NM_003127.4, NM_001363759.2, NM_001375310.1 and 2 more transcripts); c.4033G>A, p.Asp1345Asn (NM_001195532.2, NM_001363765.2, NM_001375314.2); short protein forms D1365N, D1345N, D1377N.
Identifiers: ClinVar variation 3684041 (VCV003684041.2).

ClinVar aggregate classification (germline): Uncertain significance (1 of 4 stars; one submission).

Conditions:
Early-infantile DEE. Also called: Ohtahara syndrome; Early infantile epileptic encephalopathy with suppression bursts; Early infantile epileptic encephalopathy. Identifiers: Orphanet 1934, MedGen C0393706, MONDO:0800491.

Submission:

Labcorp Genetics (formerly Invitae), Labcorp
Classification: Uncertain significance for Early-infantile DEE. Last evaluated: 2024-12-20. Review status: criteria provided, single submitter. Criteria: Invitae Variant Classification Sherloc (09022015). Collection method: clinical testing. Allele origin: germline.
Comment: This sequence change replaces aspartic acid, which is acidic and polar, with asparagine, which is neutral and polar, at codon 1365 of the SPTAN1 protein (p.Asp1365Asn). This variant is not present in population databases (gnomAD no frequency). This variant has not been reported in the literature in individuals affected with SPTAN1-related conditions. Invitae Evidence Modeling of protein sequence and biophysical properties (such as structural, functional, and spatial information, amino acid conservation, physicochemical variation, residue mobility, and thermodynamic stability) has been performed for this missense variant. However, the output from this modeling did not meet the statistical confidence thresholds required to predict the impact of this variant on SPTAN1 protein function. In summary, the available evidence is currently insufficient to determine the role of this variant in disease. Therefore, it has been classified as a Variant of Uncertain Significance.